The following is an entry in ClinVar:

NM_032217.5(ANKRD17):c.3630C>G (p.Asn1210Lys)

Gene: ANKRD17 (ankyrin repeat domain 17; minus strand). Cytogenetic location: 4q13.3.
Variant type: single nucleotide variant.
Coding change: c.3630C>G on transcript NM_032217.5 (MANE Select); coding-DNA position 3630, C replaced by G.
Protein change: p.Asn1210Lys; replaces asparagine 1210 with lysine.
Molecular consequence: missense variant.
Genome position (GRCh38, 1-based): chr4:73,121,622, G>C on the plus strand (C>G on the coding strand, the complement: ANKRD17 is on the minus strand). VCF-style: chr4-73121622-G-C. GRCh37 (hg19) VCF-style: chr4-73987339-G-C.
Other names: c.3291C>G, p.Asn1097Lys (NM_001286771.3); c.3627C>G, p.Asn1209Lys (NM_015574.2); c.2877C>G, p.Asn959Lys (NM_198889.3); short protein forms N1209K, N1097K, N1210K, N959K.
Identifiers: ClinVar variation 3731178 (VCV003731178.1).

ClinVar aggregate classification (germline): Uncertain significance (1 of 4 stars; one submission).

Submission:

GeneDx
Classification: Uncertain significance. Last evaluated: 2024-08-12. Review status: criteria provided, single submitter. Criteria: GeneDx Variant Classification Process June 2021. Collection method: clinical testing. Allele origin: germline. Affected: yes.
Comment: Not observed at significant frequency in large population cohorts (gnomAD); In silico analysis supports that this missense variant has a deleterious effect on protein structure/function; Has not been previously published as pathogenic or benign to our knowledge